The following is an entry in ClinVar:

NM_000059.4(BRCA2):c.683A>G (p.Asn228Ser)

Gene: BRCA2 (BRCA2 DNA repair associated; plus strand). Cytogenetic location: 13q13.1.
Variant type: single nucleotide variant.
Coding change: c.683A>G on transcript NM_000059.4 (MANE Select); coding-DNA position 683, A replaced by G.
Protein change: p.Asn228Ser; replaces asparagine 228 with serine.
Molecular consequence: missense variant.
Genome position (GRCh38, 1-based): chr13:32,330,920, A>G. VCF-style: chr13-32330920-A-G. GRCh37 (hg19) VCF-style: chr13-32905057-A-G.
Other names: N228S; 911A>G.
Identifiers: ClinVar variation 91458 (VCV000091458.15), dbSNP rs398122566, ClinGen allele CA024482.

ClinVar aggregate classification (germline): Uncertain significance. Review status: criteria provided, multiple submitters, no conflicts (2 of 4 stars). 5 submissions from 5 submitters: Uncertain significance (4). 1 of the submissions does not count toward it. Last evaluated 2024-11-29.

Conditions:
Hereditary cancer-predisposing syndrome. Also called: Tumor predisposition; Hereditary Cancer Syndrome; Neoplastic Syndromes, Hereditary; Hereditary neoplastic syndrome. Identifiers: Orphanet 140162, MedGen C0027672, MeSH D009386, MONDO:0015356.
Breast-ovarian cancer, familial, susceptibility to, 2 (BROVCA2). Also called: BRCA2 Hereditary Breast and Ovarian Cancer. Identifiers: Orphanet 145, MedGen C2675520, MONDO:0012933, OMIM 612555. Disease mechanism: loss of function.
Hereditary breast ovarian cancer syndrome. Also called: Breast and ovarian cancer; Hereditary breast and ovarian cancer; Hereditary breast and ovarian cancer syndrome; BRCA1- and BRCA2-Associated Hereditary Breast and Ovarian Cancer; Hereditary breast and ovarian cancer syndrome (HBOC); Hereditary breast and/or ovarian cancer syndrome. Identifiers: Orphanet 145, MedGen C0677776, MeSH D061325, MONDO:0003582. Disease mechanism: loss of function.

Allele frequency attached by ClinVar (database versions not stated): gnomAD exomes below 0.00001.
gnomAD v4.1: 1 of 1,593,802 alleles (0.000063%); highest among the groups gnomAD compares: Middle Eastern, 0.017%; no homozygotes.

Submissions (5):

Quest Diagnostics Nichols Institute San Juan Capistrano
Classification: Uncertain significance. Last evaluated: 2024-11-29. Review status: criteria provided, single submitter. Criteria: Quest Diagnostics criteria. Collection method: clinical testing. Allele origin: unknown.
Comment: The BRCA2 c.683A>G (p.Asn228Ser) variant has been reported in the published literature in a large scale breast cancer association study; this variant was observed in one breast cancer case and no reportedly healthy individuals (PMID: 33471991 (2021), see also LOVD). This variant has not been reported in large, multi-ethnic general populations (Genome Aggregation Database). Analysis of this variant using bioinformatics tools for the prediction of the effect of amino acid changes on protein structure and function yielded predictions that this variant is benign. Based on the available information, we are unable to determine the clinical significance of this variant.

Ambry Genetics
Classification: Uncertain significance for Hereditary cancer-predisposing syndrome. Last evaluated: 2024-05-13. Review status: criteria provided, single submitter. Criteria: Ambry Variant Classification Scheme 2023. Collection method: clinical testing. Allele origin: germline.
Comment: The p.N228S variant (also known as c.683A>G), located in coding exon 8 of the BRCA2 gene, results from an A to G substitution at nucleotide position 683. The asparagine at codon 228 is replaced by serine, an amino acid with highly similar properties. This amino acid position is conserved. In addition, this alteration is predicted to be tolerated by in silico analysis. Based on the available evidence, the clinical significance of this variant remains unclear.

All of Us Research Program, National Institutes of Health
Classification: Uncertain significance for Breast-ovarian cancer, familial, susceptibility to, 2. Last evaluated: 2023-08-15. Review status: criteria provided, single submitter. Criteria: ACMG Guidelines, 2015. Collection method: clinical testing. Allele origin: germline. Inheritance: Autosomal dominant inheritance. Observed: 1 variant allele, 1 heterozygote.
Comment: This missense variant replaces asparagine with serine at codon 228 of the BRCA2 protein. Computational prediction suggests that this variant may not impact protein structure and function (internally defined REVEL score threshold <= 0.5, PMID: 27666373). To our knowledge, functional studies have not been reported for this variant. This variant has not been reported in individuals affected with BRCA2-related disorders in the literature. This variant has not been identified in the general population by the Genome Aggregation Database (gnomAD). The available evidence is insufficient to determine the role of this variant in disease conclusively. Therefore, this variant is classified as a Variant of Uncertain Significance.

This study involves interpretation of variants in research participants for the purpose of population health screening. Participant phenotype was not available at the time of variant classification. Additional details can be found in publication PMID: 35346344, PMCID: PMC8962531

Labcorp Genetics (formerly Invitae), Labcorp
Classification: Uncertain significance for Hereditary breast ovarian cancer syndrome. Last evaluated: 2020-12-02. Review status: criteria provided, single submitter. Criteria: Invitae Variant Classification Sherloc (09022015). Collection method: clinical testing. Allele origin: germline.
Comment: In summary, the available evidence is currently insufficient to determine the role of this variant in disease. Therefore, it has been classified as a Variant of Uncertain Significance. Algorithms developed to predict the effect of missense changes on protein structure and function (SIFT, PolyPhen-2, Align-GVGD) all suggest that this variant is likely to be tolerated, but these predictions have not been confirmed by published functional studies and their clinical significance is uncertain. This variant has not been reported in the literature in individuals with BRCA2-related conditions. ClinVar contains an entry for this variant (Variation ID: 91458). This variant is not present in population databases (ExAC no frequency). This sequence change replaces asparagine with serine at codon 228 of the BRCA2 protein (p.Asn228Ser). The asparagine residue is weakly conserved and there is a small physicochemical difference between asparagine and serine.

Sharing Clinical Reports Project (SCRP)
Classification: Uncertain significance for Breast-ovarian cancer, familial 2. Last evaluated: 2013-04-26. Review status: no assertion criteria provided. Collection method: clinical testing. Allele origin: germline. Not counted in ClinVar's aggregate classification.

Literature cited by the submitters: PubMed 33471991 (cited by Quest Diagnostics Nichols Institute San Juan Capistrano).